The following is an entry in ClinVar:

NM_000719.7(CACNA1C):c.3209+4A>C

Gene: CACNA1C (calcium voltage-gated channel subunit alpha1 C; plus strand). Cytogenetic location: 12p13.33.
Variant type: single nucleotide variant.
Coding change: c.3209+4A>C on transcript NM_000719.7 (MANE Select); 4 bases into the intron after coding-DNA position 3209, A replaced by C.
Molecular consequence: intron variant.
Genome position (GRCh38, 1-based): chr12:2,606,667, A>C. VCF-style: chr12-2606667-A-C. GRCh37 (hg19) VCF-style: chr12-2715833-A-C.
Other names: c.3209+4A>C (NM_001167624.3, NM_001167623.2, NM_001167625.2 and 15 more transcripts); c.3269+4A>C (NM_199460.4, NM_001129827.2, NM_001129832.2); c.3200+4A>C (NM_001129844.2).
Identifiers: ClinVar variation 3365857 (VCV003365857.1).

ClinVar aggregate classification (germline): Uncertain significance (1 of 4 stars; one submission).

Submission:

GeneDx
Classification: Uncertain significance. Last evaluated: 2024-01-26. Review status: criteria provided, single submitter. Criteria: GeneDx Variant Classification Process June 2021. Collection method: clinical testing. Allele origin: germline. Affected: yes.
Comment: Not observed at significant frequency in large population cohorts (gnomAD); In silico analysis is inconclusive as to whether the variant alters gene splicing. In the absence of RNA/functional studies, the actual effect of this sequence change is unknown.; Has not been previously published as pathogenic or benign to our knowledge